The following is an entry in ClinVar:

ClinVar aggregate classification (germline): Likely benign (1 of 4 stars; one submission).

Allele frequency attached by ClinVar (database versions not stated): ESP Exome Variant Server 0.00077; 1000 Genomes Project 30x 0.00125; 1000 Genomes Project 0.00140.
gnomAD v4.1: 1,553 of 1,611,276 alleles (0.096%); highest among the groups gnomAD compares: South Asian, 0.61%; 7 homozygotes.

Submission:

CeGaT Center for Human Genetics Tuebingen
Classification: Likely benign. Last evaluated: 2022-12-01. Review status: criteria provided, single submitter. Criteria: CeGaT Center For Human Genetics Tuebingen Variant Classification Criteria Version 2. Collection method: clinical testing. Allele origin: germline. Affected: yes. Observed: 1 variant allele.
Comment: KLHL17: BS2

NM_198317.3(KLHL17):c.898C>A (p.Leu300Met)

Gene: KLHL17 (kelch like family member 17; plus strand). Cytogenetic location: 1p36.33.
Variant type: single nucleotide variant.
Coding change: c.898C>A on transcript NM_198317.3 (MANE Select); coding-DNA position 898, C replaced by A.
Protein change: p.Leu300Met; replaces leucine 300 with methionine.
Molecular consequence: missense variant.
Genome position (GRCh38, 1-based): chr1:962,773, C>A. VCF-style: chr1-962773-C-A. GRCh37 (hg19) VCF-style: chr1-898153-C-A.
Other names: short protein forms L300M.
Identifiers: ClinVar variation 2637979 (VCV002637979.24), dbSNP rs147703918, ClinGen allele CA505448.